The following is an entry in ClinVar:

ClinVar aggregate classification (germline): Uncertain significance (1 of 4 stars; one submission).

Conditions:
Hereditary cancer-predisposing syndrome. Also called: Tumor predisposition; Neoplastic Syndromes, Hereditary; Hereditary neoplastic syndrome; Hereditary Cancer Syndrome. Identifiers: Orphanet 140162, MedGen C0027672, MeSH D009386, MONDO:0015356.

Submission:

Ambry Genetics
Classification: Uncertain significance for Hereditary cancer-predisposing syndrome. Last evaluated: 2024-06-29. Review status: criteria provided, single submitter. Criteria: Ambry Variant Classification Scheme 2023. Collection method: clinical testing. Allele origin: germline.
Comment: The p.V610L variant (also known as c.1828G>C), located in coding exon 6 of the BLM gene, results from a G to C substitution at nucleotide position 1828. The valine at codon 610 is replaced by leucine, an amino acid with highly similar properties. This amino acid position is conserved. In addition, this alteration is predicted to be tolerated by in silico analysis. Based on the available evidence, the clinical significance of this variant remains unclear.

NM_000057.4(BLM):c.1828G>C (p.Val610Leu)

Gene: BLM (BLM RecQ like helicase; plus strand). Cytogenetic location: 15q26.1.
Variant type: single nucleotide variant.
Coding change: c.1828G>C on transcript NM_000057.4 (MANE Select); coding-DNA position 1828, G replaced by C.
Protein change: p.Val610Leu; replaces valine 610 with leucine.
Molecular consequence: missense variant.
Genome position (GRCh38, 1-based): chr15:90,761,201, G>C. VCF-style: chr15-90761201-G-C. GRCh37 (hg19) VCF-style: chr15-91304431-G-C.
Other names: c.1828G>C, p.Val610Leu (NM_001287246.2, NM_001287247.2); c.703G>C, p.Val235Leu (NM_001287248.2); short protein forms V235L, V610L.
Identifiers: ClinVar variation 3480809 (VCV003480809.1).
Genomic context (GRCh38, chr15:90,761,201, plus strand): 5'-GGTCGGCCAATTAAATCAGTATCAGAAAGACTTTCCTCAGCCAAGACAGACTGTCTTCCA[G>C]TGTCATCTACTGCTCAAAATATAAACTTCTCAGAGTCAATTCAGAATTATACTGGTAAGT-3'
Protein context (NP_000048.1, residues 600-620): LSSAKTDCLP[Val610Leu]SSTAQNINFS